The following is an entry in ClinVar:

NM_201384.3(PLEC):c.8617G>A (p.Glu2873Lys)

Gene: PLEC (plectin; minus strand). Cytogenetic location: 8q24.3.
Variant type: single nucleotide variant.
Coding change: c.8617G>A on transcript NM_201384.3 (MANE Select); coding-DNA position 8617, G replaced by A.
Protein change: p.Glu2873Lys; replaces glutamic acid 2873 with lysine.
Molecular consequence: missense variant.
Genome position (GRCh38, 1-based): chr8:143,921,204, C>T on the plus strand (G>A on the coding strand, the complement: PLEC is on the minus strand). VCF-style: chr8-143921204-C-T. GRCh37 (hg19) VCF-style: chr8-144995372-C-T.
Other names: c.8698G>A, p.Glu2900Lys (NM_000445.5); c.8575G>A, p.Glu2859Lys (NM_201378.4); c.8551G>A, p.Glu2851Lys (NM_201379.3); c.9028G>A, p.Glu3010Lys (NM_201380.4); c.8521G>A, p.Glu2841Lys (NM_201381.3); c.8617G>A, p.Glu2873Lys (NM_201382.4); c.8629G>A, p.Glu2877Lys (NM_201383.3); short protein forms E2841K, E2851K, E2859K, E2873K, E2877K, E2900K, E3010K.
Identifiers: ClinVar variation 196840 (VCV000196840.21), dbSNP rs377748878, ClinGen allele CA244460.

ClinVar aggregate classification (germline): Conflicting classifications of pathogenicity. Review status: criteria provided, conflicting classifications (1 of 4 stars). 6 submissions from 6 submitters: Uncertain significance (4); Likely benign (2). Last evaluated 2025-09-01.

Conditions:
Epidermolysis bullosa simplex, Ogna type (EBS5A). Also called: Pidermolysis bullosa simplex 5A, Ogna type; EPIDERMOLYSIS BULLOSA SIMPLEX 5A, OGNA TYPE. Identifiers: Orphanet 79401, MedGen C0432317, MONDO:0007555, OMIM 131950.
Epidermolysis bullosa simplex 5C, with pyloric atresia (EBS5C). Also called: PLEC-Related Epidermolysis Bullosa with Pyloric Atresia; Epidermolysis bullosa simplex with pyloric atresia; PLEC1-Related Epidermolysis Bullosa with Pyloric Atresia. Identifiers: Orphanet 158684, MedGen C2677349, MONDO:0012807, OMIM 612138.
Autosomal recessive limb-girdle muscular dystrophy type 2Q (LGMDR17). Also called: MUSCULAR DYSTROPHY, LIMB-GIRDLE, AUTOSOMAL RECESSIVE 17. Identifiers: Orphanet 254361, MedGen C3150989, MONDO:0013390, OMIM 613723.
Epidermolysis bullosa simplex with nail dystrophy (EBS5D). Identifiers: MedGen C4225309, MONDO:0014661, OMIM 616487.
Epidermolysis bullosa simplex 5B, with muscular dystrophy (EBS5B). Also called: EPIDERMOLYSIS BULLOSA SIMPLEX AND LIMB-GIRDLE MUSCULAR DYSTROPHY; Epidermolysis bullosa simplex with muscular dystrophy. Identifiers: Orphanet 257, MedGen C2931072, MONDO:0009181, OMIM 226670.
Inborn genetic diseases. Identifiers: MedGen C0950123, MeSH D030342.

Allele frequency attached by ClinVar (database versions not stated): gnomAD exomes 0.00005 and 0.00008; ExAC 0.00007; gnomAD 0.00007; ESP Exome Variant Server 0.00008; TOPMed 0.00014.
gnomAD v4.1: 88 of 1,613,918 alleles (0.0055%); highest among the groups gnomAD compares: Middle Eastern, 0.12%; 1 homozygote.

Submissions (6):

CeGaT Center for Human Genetics Tuebingen
Classification: Uncertain significance. Last evaluated: 2025-09-01. Review status: criteria provided, single submitter. Criteria: CeGaT Center For Human Genetics Tuebingen Variant Classification Criteria Version 2. Collection method: clinical testing. Allele origin: germline. Affected: yes. Observed: 1 variant allele.
Comment: PLEC: PM2, BP4

Labcorp Genetics (formerly Invitae), Labcorp
Classification: Uncertain significance for Autosomal recessive limb-girdle muscular dystrophy type 2Q; Epidermolysis bullosa simplex, Ogna type; Epidermolysis bullosa simplex with nail dystrophy; Epidermolysis bullosa simplex 5C, with pyloric atresia; Epidermolysis bullosa simplex 5B, with muscular dystrophy. Last evaluated: 2024-12-19. Review status: criteria provided, single submitter. Criteria: Invitae Variant Classification Sherloc (09022015). Collection method: clinical testing. Allele origin: germline.
Comment: This sequence change replaces glutamic acid, which is acidic and polar, with lysine, which is basic and polar, at codon 2900 of the PLEC protein (p.Glu2900Lys). This variant is present in population databases (rs377748878, gnomAD 0.02%). This variant has not been reported in the literature in individuals affected with PLEC-related conditions. ClinVar contains an entry for this variant (Variation ID: 196840). An algorithm developed to predict the effect of missense changes on protein structure and function (PolyPhen-2) suggests that this variant is likely to be tolerated. In summary, the available evidence is currently insufficient to determine the role of this variant in disease. Therefore, it has been classified as a Variant of Uncertain Significance.

Ambry Genetics
Classification: Uncertain significance for Inborn genetic diseases. Last evaluated: 2024-09-27. Review status: criteria provided, single submitter. Criteria: Ambry Variant Classification Scheme 2023. Collection method: clinical testing. Allele origin: germline.

Blueprint Genetics
Classification: Likely benign. Last evaluated: 2022-11-15. Review status: criteria provided, single submitter. Criteria: ACMG Guidelines, 2015. Collection method: clinical testing. Allele origin: germline.

GeneDx
Classification: Likely benign. Last evaluated: 2017-04-07. Review status: criteria provided, single submitter. Criteria: GeneDx Variant Classification (06012015). Collection method: clinical testing. Allele origin: germline. Affected: yes.
Comment: This variant is considered likely benign or benign based on one or more of the following criteria: it is a conservative change, it occurs at a poorly conserved position in the protein, it is predicted to be benign by multiple in silico algorithms, and/or has population frequency not consistent with disease.

Eurofins Ntd Llc (ga)
Classification: Uncertain significance. Last evaluated: 2015-01-22. Review status: criteria provided, single submitter. Criteria: EGL Classification Definitions 2015. Collection method: clinical testing. Allele origin: germline. Observed: 1 variant allele, 1 heterozygote.